The following is an entry in ClinVar:

NM_032638.5(GATA2):c.191C>T (p.Ala64Val)

Gene: GATA2 (GATA binding protein 2; minus strand). Cytogenetic location: 3q21.3.
Variant type: single nucleotide variant.
Coding change: c.191C>T on transcript NM_032638.5 (MANE Select); coding-DNA position 191, C replaced by T.
Protein change: p.Ala64Val; replaces alanine 64 with valine.
Molecular consequence: missense variant.
Genome position (GRCh38, 1-based): chr3:128,486,841, G>A on the plus strand (C>T on the coding strand, the complement: GATA2 is on the minus strand). VCF-style: chr3-128486841-G-A. GRCh37 (hg19) VCF-style: chr3-128205684-G-A.
Other names: c.191C>T, p.Ala64Val (NM_001145661.2, NM_001145662.1); short protein forms A64V.
Identifiers: ClinVar variation 4262157 (VCV004262157.2).

ClinVar aggregate classification (germline): Uncertain significance (1 of 4 stars; one submission).

Conditions:
Inborn genetic diseases. Identifiers: MedGen C0950123, MeSH D030342.

Submission:

Ambry Genetics
Classification: Uncertain significance for Inborn genetic diseases. Last evaluated: 2026-09-04. Review status: criteria provided, single submitter. Criteria: Ambry Variant Classification Scheme 2023. Collection method: clinical testing. Allele origin: germline.
Comment: The p.A64V variant (also known as c.191C>T), located in coding exon 1 of the GATA2 gene, results from a C to T substitution at nucleotide position 191. The alanine at codon 64 is replaced by valine, an amino acid with similar properties. This amino acid position is conserved. In addition, the in silico prediction for this alteration is inconclusive. Based on the available evidence, the clinical significance of this variant remains unclear.